The following is an entry in ClinVar:

NM_001252024.2(TRPM1):c.3293+5G>A

Genes: TRPM1 (transient receptor potential cation channel subfamily M member 1; minus strand), TRPM1-AS1 (TRPM1 antisense RNA 1; plus strand). Cytogenetic location: 15q13.3.
Variant type: single nucleotide variant.
Coding change: c.3293+5G>A on transcript NM_001252024.2 (MANE Select); 5 bases into the intron after coding-DNA position 3293, G replaced by A.
Molecular consequence: intron variant.
Genome position (GRCh38, 1-based): chr15:31,028,327, C>T on the plus strand (G>A on the coding strand, the complement: TRPM1 is on the minus strand). VCF-style: chr15-31028327-C-T. GRCh37 (hg19) VCF-style: chr15-31320530-C-T.
Other names: c.3344+5G>A (NM_001252020.2); c.3227+5G>A (NM_002420.6).
Identifiers: ClinVar variation 489262 (VCV000489262.15), dbSNP rs201442201, ClinGen allele CA7451934.

ClinVar aggregate classification (germline): Conflicting classifications of pathogenicity. Review status: criteria provided, conflicting classifications (1 of 4 stars). 3 submissions from 3 submitters: Uncertain significance (1); Likely benign (2). Last evaluated 2026-01-26.

Allele frequency attached by ClinVar (database versions not stated): gnomAD exomes 0.00011 and 0.00026; ExAC 0.00037; 1000 Genomes Project 0.00080; gnomAD 0.00090 and 0.00096; 1000 Genomes Project 30x 0.00094; TOPMed 0.00105; ESP Exome Variant Server 0.00170.
gnomAD v4.1: 299 of 1,614,064 alleles (0.019%); highest among the groups gnomAD compares: African/African-American, 0.33%; 1 homozygote.

Submissions (3):

Labcorp Genetics (formerly Invitae), Labcorp
Classification: Likely benign. Last evaluated: 2026-01-26. Review status: criteria provided, single submitter. Criteria: Invitae Variant Classification Sherloc (09022015). Collection method: clinical testing. Allele origin: germline.

Blueprint Genetics
Classification: Likely benign. Last evaluated: 2024-07-23. Review status: criteria provided, single submitter. Criteria: ACMG Guidelines, 2015. Collection method: clinical testing. Allele origin: germline.

GeneDx
Classification: Uncertain significance. Last evaluated: 2017-12-21. Review status: criteria provided, single submitter. Criteria: GeneDx Variant Classification (06012015). Collection method: clinical testing. Allele origin: germline. Affected: yes.
Comment: The c.3227+5G>A variant in the TRPM1 gene has not been reported previously as a pathogenic variant nor as a benign variant, to our knowledge. This variant reduces the quality of the splice donor site in intron 24, and may cause abnormal gene splicing. The c.3227+5G>A variant is observed in 82/24004 (0.34%) alleles from individuals of African background in large population cohorts and no individuals were reported to be homozygous (Lek et al., 2016). We interpret c.3227+5G>A as a variant of uncertain significance.